The following is an entry in ClinVar:

ClinVar aggregate classification (germline): Benign (1 of 4 stars; one submission).

Conditions:
Familial cancer of breast. Also called: hereditary breast carcinoma; Hereditary breast cancer; BREAST CANCER, FAMILIAL. Identifiers: Orphanet 227535, MedGen C0346153, MONDO:0016419, OMIM 114480. Disease mechanism: loss of function.

Submission:

Myriad Genetics, Inc.
Classification: Benign for Familial cancer of breast. Last evaluated: 2024-09-10. Review status: criteria provided, single submitter. Criteria: Myriad Autosomal Dominant, Autosomal Recessive and X-Linked Classification Criteria (2023). Collection method: clinical testing. Allele origin: unknown.
Comment: This variant is considered benign. This variant is a silent/synonymous amino acid change and it is not expected to impact splicing.

NM_032043.3(BRIP1):c.3210A>G (p.Ser1070=)

Gene: BRIP1 (BRCA1 interacting DNA helicase 1; minus strand). Cytogenetic location: 17q23.2.
Variant type: single nucleotide variant.
Coding change: c.3210A>G on transcript NM_032043.3 (MANE Select); coding-DNA position 3210, A replaced by G.
Protein change: p.Ser1070=; no amino-acid change (serine 1070 retained).
Molecular consequence: synonymous variant.
Genome position (GRCh38, 1-based): chr17:61,683,836, T>C on the plus strand (A>G on the coding strand, the complement: BRIP1 is on the minus strand). VCF-style: chr17-61683836-T-C. GRCh37 (hg19) VCF-style: chr17-59761197-T-C.
Identifiers: ClinVar variation 3378422 (VCV003378422.1).
Genomic context (GRCh38, chr17:61,683,836, plus strand): 5'-TTCAGAATGATTTTTTCTAGTAAGGGTGGCATCAATCTTTAATGATGAAATAATGGTTTC[T>C]GATTGAGGGCATGATCCAAACGATGTGTTTACTGTCAGATTTGAGGATTCACATTTATCA-3'
Protein context (NP_114432.2, residues 1060-1080): VNTSFGSCPQ[Ser1070=]ETIISSLKID